The following is an entry in ClinVar:

NM_020964.3(EPG5):c.3859C>T (p.Gln1287Ter)

Gene: EPG5 (ectopic P-granules 5 autophagy tethering factor; minus strand). Cytogenetic location: 18q21.1.
Variant type: single nucleotide variant.
Coding change: c.3859C>T on transcript NM_020964.3 (MANE Select); coding-DNA position 3859, C replaced by T.
Protein change: p.Gln1287Ter; replaces glutamine 1287 with a stop codon.
Molecular consequence: nonsense.
Genome position (GRCh38, 1-based): chr18:45,912,414, G>A on the plus strand (C>T on the coding strand, the complement: EPG5 is on the minus strand). VCF-style: chr18-45912414-G-A. GRCh37 (hg19) VCF-style: chr18-43492379-G-A.
Other names: c.3859C>T, p.Gln1287Ter (NM_001410858.1, NM_001410859.1); short protein forms Q1287*.
Identifiers: ClinVar variation 2761850 (VCV002761850.3), dbSNP rs2511794710, ClinGen allele CA402340965.
Genomic context (GRCh38, chr18:45,912,414, plus strand): 5'-GGGGGTGATCAGAAGGTGTGACCAGAGCCTGGTGGGCCCAGCGATAAATCAGCAGCCTCT[G>A]GAGGGATGGCACGATGGGGAGCTTCAGCTGGGTCTGGGCTTTCTACAAAAAAGAAAGGGC-3'

ClinVar aggregate classification (germline): Pathogenic (1 of 4 stars; one submission).

Conditions:
Vici syndrome (VICIS). Identifiers: Orphanet 1493, MedGen C1855772, MONDO:0009452, OMIM 242840.

Submission:

Labcorp Genetics (formerly Invitae), Labcorp
Classification: Pathogenic for Vici syndrome. Last evaluated: 2023-09-19. Review status: criteria provided, single submitter. Criteria: Invitae Variant Classification Sherloc (09022015). Collection method: clinical testing. Allele origin: germline.
Comment: For these reasons, this variant has been classified as Pathogenic. This variant has not been reported in the literature in individuals affected with EPG5-related conditions. This variant is not present in population databases (gnomAD no frequency). This sequence change creates a premature translational stop signal (p.Gln1287*) in the EPG5 gene. It is expected to result in an absent or disrupted protein product. Loss-of-function variants in EPG5 are known to be pathogenic (PMID: 23222957, 23674064).

Literature cited by the submitters: PubMed 23222957; PubMed 23674064.